The following is an entry in ClinVar:

NM_206965.2(FTCD):c.236A>C (p.Gln79Pro)

Gene: FTCD (formimidoyltransferase cyclodeaminase; minus strand). Cytogenetic location: 21q22.3.
Variant type: single nucleotide variant.
Coding change: c.236A>C on transcript NM_206965.2 (MANE Select); coding-DNA position 236, A replaced by C.
Protein change: p.Gln79Pro; replaces glutamine 79 with proline.
Molecular consequence: missense variant.
Genome position (GRCh38, 1-based): chr21:46,154,151, T>G on the plus strand (A>C on the coding strand, the complement: FTCD is on the minus strand). VCF-style: chr21-46154151-T-G. GRCh37 (hg19) VCF-style: chr21-47574065-T-G.
Other names: c.236A>C, p.Gln79Pro (NM_001320412.2, NM_006657.3); c.236A>C (NM_006657.2); short protein forms Q79P.
Identifiers: ClinVar variation 195268 (VCV000195268.8), dbSNP rs775726030, ClinGen allele CA241615.

ClinVar aggregate classification (germline): Uncertain significance. Review status: criteria provided, multiple submitters, no conflicts (2 of 4 stars). 3 submissions from 3 submitters: Uncertain significance (3). Last evaluated 2022-04-12.

Conditions:
Inborn genetic diseases. Identifiers: MedGen C0950123, MeSH D030342.
Glutamate formiminotransferase deficiency. Also called: Arakawa syndrome 1; Formiminoglutamic aciduria. Identifiers: Orphanet 51208, MedGen C0268609, MONDO:0009240, OMIM 229100.

Allele frequency attached by ClinVar (database versions not stated): gnomAD 0.00006; TOPMed 0.00006; ExAC 0.00009; gnomAD exomes 0.00013.
gnomAD v4.1: 94 of 1,612,598 alleles (0.0058%); highest among the groups gnomAD compares: Non-Finnish European, 0.0014%; no homozygotes.

Submissions (3):

Fulgent Genetics
Classification: Uncertain significance for Glutamate formiminotransferase deficiency. Last evaluated: 2022-04-12. Review status: criteria provided, single submitter. Criteria: ACMG Guidelines, 2015. Collection method: clinical testing. Allele origin: unknown.

Ambry Genetics
Classification: Uncertain significance for Inborn genetic diseases. Last evaluated: 2021-12-08. Review status: criteria provided, single submitter. Criteria: Ambry Variant Classification Scheme 2023. Collection method: clinical testing. Allele origin: germline.
Comment: (Ahrens-Nicklas, 2019) Based on insufficient or conflicting evidence, the clinical significance of this alteration remains unclear.

Eurofins Ntd Llc (ga)
Classification: Uncertain significance. Last evaluated: 2014-08-26. Review status: criteria provided, single submitter. Criteria: EGL Classification Definitions 2015. Collection method: clinical testing. Allele origin: germline. Observed: 1 variant allele, 1 heterozygote.

Literature cited by the submitters: PubMed 30740726 (cited by Ambry Genetics).